The following is an entry in ClinVar:

NM_000214.3(JAG1):c.1375_1376dup (p.Gln459fs)

Gene: JAG1 (jagged canonical Notch ligand 1; minus strand). Cytogenetic location: 20p12.2.
Variant type: Duplication.
Coding change: c.1375_1376dup on transcript NM_000214.3 (MANE Select); coding-DNA positions 1375 to 1376, 2 bases duplicated (CA; older notation c.1375_1376dupCA).
Protein change: p.Gln459fs; shifts the reading frame from glutamine 459.
Molecular consequence: frameshift variant.
Genome position (GRCh38, 1-based): chr20:10,649,080-10,649,081, TG duplicated on the plus strand (CA on the coding strand, the reverse complement: JAG1 is on the minus strand). VCF-style (leftmost placement, unchanged base first): chr20-10649079-C-CTG. GRCh37 (hg19) VCF-style: chr20-10629727-C-CTG.
Other names: short protein forms Q459fs.
Identifiers: ClinVar variation 3349111 (VCV003349111.1).

ClinVar aggregate classification (germline): Pathogenic (0 of 4 stars; one submission).

Conditions:
JAG1-related disorder. Also called: JAG1-related disorders; JAG1-related condition.

Submission:

PreventionGenetics, part of Exact Sciences
Classification: Pathogenic for JAG1-related condition. Last evaluated: 2024-03-27. Review status: no assertion criteria provided. Collection method: clinical testing. Allele origin: germline.
Comment: The JAG1 c.1375_1376dupCA variant is predicted to result in a frameshift and premature protein termination (p.Gln459Hisfs*40). To our knowledge, this variant has not been reported in the literature or in a large population database, indicating this variant is rare. Frameshift variants in JAG1 are expected to be pathogenic. This variant is interpreted as pathogenic.